The following is an entry in ClinVar:

ClinVar aggregate classification (germline): Uncertain significance. Review status: criteria provided, multiple submitters, no conflicts (2 of 4 stars). 2 submissions from 2 submitters: Uncertain significance (2). Last evaluated 2024-04-10.

Conditions:
Dalmatian hypouricemia (RHUC1). Identifiers: MedGen C0473219, MONDO:0020728, OMIM 220150.

Allele frequency attached by ClinVar (database versions not stated): ExAC 0.00008; gnomAD 0.00011.
gnomAD v4.1: 137 of 1,605,970 alleles (0.0085%); highest among the groups gnomAD compares: South Asian, 0.038%; no homozygotes.

Submissions (2):

Fulgent Genetics
Classification: Uncertain significance for Dalmatian hypouricemia. Last evaluated: 2024-04-10. Review status: criteria provided, single submitter. Criteria: ACMG Guidelines, 2015. Collection method: clinical testing. Allele origin: germline.

Labcorp Genetics (formerly Invitae), Labcorp
Classification: Uncertain significance. Last evaluated: 2022-09-26. Review status: criteria provided, single submitter. Criteria: Invitae Variant Classification Sherloc (09022015). Collection method: clinical testing. Allele origin: germline.
Comment: In summary, the available evidence is currently insufficient to determine the role of this variant in disease. Therefore, it has been classified as a Variant of Uncertain Significance. Algorithms developed to predict the effect of missense changes on protein structure and function output the following: SIFT: "Deleterious"; PolyPhen-2: "Benign"; Align-GVGD: "Class C0". The tryptophan amino acid residue is found in multiple mammalian species, which suggests that this missense change does not adversely affect protein function. This variant has not been reported in the literature in individuals affected with SLC22A12-related conditions. The frequency data for this variant in the population databases is considered unreliable, as metrics indicate poor data quality at this position in the gnomAD database. This sequence change replaces arginine, which is basic and polar, with tryptophan, which is neutral and slightly polar, at codon 487 of the SLC22A12 protein (p.Arg487Trp).

NM_144585.4(SLC22A12):c.1459C>T (p.Arg487Trp)

Gene: SLC22A12 (solute carrier family 22 member 12; plus strand). Cytogenetic location: 11q13.1.
Variant type: single nucleotide variant.
Coding change: c.1459C>T on transcript NM_144585.4 (MANE Select); coding-DNA position 1459, C replaced by T.
Protein change: p.Arg487Trp; replaces arginine 487 with tryptophan.
Molecular consequence: missense variant.
Genome position (GRCh38, 1-based): chr11:64,600,799, C>T. VCF-style: chr11-64600799-C-T. GRCh37 (hg19) VCF-style: chr11-64368271-C-T.
Other names: c.1357C>T, p.Arg453Trp (NM_001276326.2); c.1135C>T, p.Arg379Trp (NM_001276327.2); c.796C>T, p.Arg266Trp (NM_153378.3); short protein forms R379W, R266W, R453W, R487W.
Identifiers: ClinVar variation 1896081 (VCV001896081.4), dbSNP rs763684449, ClinGen allele CA6077462.
Genomic context (GRCh38, chr11:64,600,799, plus strand): 5'-ACGGCAGTGGGCTTGGGCCAGATGGCAGCCCGTGGAGGAGCCATCCTGGGGCCTCTGGTC[C>T]GGCTGCTGGGTGTCCATGGCCCCTGGCTGCCCTTGCTGGTGTATGGGACGGTGCCAGTGC-3'
Protein context (NP_653186.2, residues 477-497): RGGAILGPLV[Arg487Trp]LLGVHGPWLP